The following is an entry in ClinVar:

NM_003664.5(AP3B1):c.2452C>G (p.Leu818Val)

Gene: AP3B1 (adaptor related protein complex 3 subunit beta 1; minus strand). Cytogenetic location: 5q14.1.
Variant type: single nucleotide variant.
Coding change: c.2452C>G on transcript NM_003664.5 (MANE Select); coding-DNA position 2452, C replaced by G.
Protein change: p.Leu818Val; replaces leucine 818 with valine.
Molecular consequence: missense variant.
Genome position (GRCh38, 1-based): chr5:78,100,971, G>C on the plus strand (C>G on the coding strand, the complement: AP3B1 is on the minus strand). VCF-style: chr5-78100971-G-C. GRCh37 (hg19) VCF-style: chr5-77396795-G-C.
Other names: c.2305C>G, p.Leu769Val (NM_001271769.2); short protein forms L769V, L818V.
Identifiers: ClinVar variation 1041195 (VCV001041195.8), dbSNP rs1751097725, ClinGen allele CA360333499.

ClinVar aggregate classification (germline): Uncertain significance (1 of 4 stars; one submission).

Conditions:
Hermansky-Pudlak syndrome 2 (HPS2). Also called: Platelet defects and oculocutaneous albinism. Identifiers: Orphanet 183678, Orphanet 79430, MedGen C1842362, MONDO:0011997, OMIM 608233.

Allele frequency attached by ClinVar (database versions not stated): gnomAD exomes below 0.00001.
gnomAD v4.1: 1 of 1,554,414 alleles (0.000064%); highest among the groups gnomAD compares: Non-Finnish European, 0.000089%; no homozygotes.

Submission:

Labcorp Genetics (formerly Invitae), Labcorp
Classification: Uncertain significance for Hermansky-Pudlak syndrome 2. Last evaluated: 2020-09-26. Review status: criteria provided, single submitter. Criteria: Invitae Variant Classification Sherloc (09022015). Collection method: clinical testing. Allele origin: germline.
Comment: In summary, the available evidence is currently insufficient to determine the role of this variant in disease. Therefore, it has been classified as a Variant of Uncertain Significance. Algorithms developed to predict the effect of missense changes on protein structure and function are either unavailable or do not agree on the potential impact of this missense change (SIFT: "Deleterious"; PolyPhen-2: "Benign"; Align-GVGD: "Class C0"). This variant has not been reported in the literature in individuals with AP3B1-related conditions. This variant is not present in population databases (ExAC no frequency). This sequence change replaces leucine with valine at codon 818 of the AP3B1 protein (p.Leu818Val). The leucine residue is highly conserved and there is a small physicochemical difference between leucine and valine.